The following is an entry in ClinVar:

NM_006767.4(LZTR1):c.2139G>T (p.Met713Ile)

Gene: LZTR1 (leucine zipper like post translational regulator 1; plus strand). Cytogenetic location: 22q11.21.
Variant type: single nucleotide variant.
Coding change: c.2139G>T on transcript NM_006767.4 (MANE Select); coding-DNA position 2139, G replaced by T.
Protein change: p.Met713Ile; replaces methionine 713 with isoleucine.
Molecular consequence: missense variant.
Genome position (GRCh38, 1-based): chr22:20,996,032, G>T. VCF-style: chr22-20996032-G-T. GRCh37 (hg19) VCF-style: chr22-21350321-G-T.
Other names: short protein forms M713I.
Identifiers: ClinVar variation 2815568 (VCV002815568.3), dbSNP rs2518624576, ClinGen allele CA410779538.
Genomic context (GRCh38, chr22:20,996,032, plus strand): 5'-AGCCATGTTCCGGTCCTTCATGCCCGAAGATGGGCAGGTGAACATCTCCATCGGGGAGAT[G>T]GTGCCCAGCAGGCAGGCCTTCGAGTCCATGCTGCGCTACATCTACTACGGCGAGGTCAAC-3'
Protein context (NP_006758.2, residues 703-723): DGQVNISIGE[Met713Ile]VPSRQAFESM

ClinVar aggregate classification (germline): Uncertain significance (1 of 4 stars; one submission).

Submission:

Labcorp Genetics (formerly Invitae), Labcorp
Classification: Uncertain significance. Last evaluated: 2022-11-22. Review status: criteria provided, single submitter. Criteria: Invitae Variant Classification Sherloc (09022015). Collection method: clinical testing. Allele origin: germline.
Comment: This sequence change replaces methionine, which is neutral and non-polar, with isoleucine, which is neutral and non-polar, at codon 713 of the LZTR1 protein (p.Met713Ile). This variant is not present in population databases (gnomAD no frequency). This variant has not been reported in the literature in individuals affected with LZTR1-related conditions. Advanced modeling of protein sequence and biophysical properties (such as structural, functional, and spatial information, amino acid conservation, physicochemical variation, residue mobility, and thermodynamic stability) performed at Invitae indicates that this missense variant is not expected to disrupt LZTR1 protein function. In summary, the available evidence is currently insufficient to determine the role of this variant in disease. Therefore, it has been classified as a Variant of Uncertain Significance.